The following is an entry in ClinVar:

ClinVar aggregate classification (germline): Pathogenic/Likely pathogenic. Review status: criteria provided, multiple submitters, no conflicts (2 of 4 stars). 2 submissions from 2 submitters: Pathogenic (1); Likely pathogenic (1). Last evaluated 2017-02-07.

Conditions:
Syndromic X-linked intellectual disability Najm type (MICPCH). Also called: Intellectual developmental disorder and microcephaly with pontine and cerebellar hypoplasia; Mental retardation and microcephaly with pontine and cerebellar hypoplasia; MENTAL RETARDATION, X-LINKED, SYNDROMIC, NAJM TYPE; Intellectual Disability and Microcephaly with Pontine and Cerebellar Hypoplasia (MICPCH); Intellectual Disability and Microcephaly with Pontine and Cerebellar Hypoplasia; MICPCH SYNDROME. Identifiers: Orphanet 163937, MedGen C2677903, MONDO:0010417, OMIM 300749.
FG syndrome 4 (FGS4). Identifiers: MedGen C1845546, MONDO:0010318, OMIM 300422.

Submissions (2):

GeneDx
Classification: Pathogenic. Last evaluated: 2017-02-07. Review status: criteria provided, single submitter. Criteria: GeneDx Variant Classification (06012015). Collection method: clinical testing. Allele origin: germline. Affected: yes.
Comment: The c.59+2 T>C variant in the CASK gene has not been reported previously as a pathogenic variant nor as a benign variant, to our knowledge. This splice site variant destroys the canonical splice donor site in intron 1. It is predicted to cause abnormal gene splicing, either leading to an abnormal message that is subject to nonsense-mediated mRNA decay, or to an abnormal protein product if the message is used for protein translation. The c.59+2 T>C variant is not observed in large population cohorts (Lek et al., 2016; 1000 Genomes Consortium et al., 2015; Exome Variant Server).

Juno Genomics, Hangzhou Juno Genomics, Inc
Classification: Likely pathogenic for FG syndrome 4; Syndromic X-linked intellectual disability Najm type. Review status: criteria provided, single submitter. Criteria: ACMG Guidelines, 2015. Collection method: clinical testing. Allele origin: germline. Affected: yes.
Comment: Absent from controls (or at extremely low frequency if recessive) in Genome Aggregation Database, Exome Sequencing Project, 1000 Genomes Project, or Exome Aggregation Consortium.;Null variant in a gene where loss of function (LOF) is a known mechanism of disease.

NM_001367721.1(CASK):c.59+2T>C

Gene: CASK (calcium/calmodulin dependent serine protein kinase; minus strand). Cytogenetic location: Xp11.4.
Variant type: single nucleotide variant.
Coding change: c.59+2T>C on transcript NM_001367721.1 (MANE Select); the canonical splice donor site of the intron after coding-DNA position 59, T replaced by C.
Molecular consequence: splice donor variant.
Genome position (GRCh38, 1-based): chrX:41,922,928, A>G on the plus strand (T>C on the coding strand, the complement: CASK is on the minus strand). VCF-style: chrX-41922928-A-G. GRCh37 (hg19) VCF-style: chrX-41782181-A-G.
Other names: c.59+2T>C (NM_001126055.3, NM_001410745.1, NM_001126054.3 and 1 more transcripts).
Identifiers: ClinVar variation 423284 (VCV000423284.3), dbSNP rs1064796344, ClinGen allele CA16621406.